The following is an entry in ClinVar:

NM_003467.3(CXCR4):c.973A>G (p.Ser325Gly)

Gene: CXCR4 (C-X-C motif chemokine receptor 4; minus strand). Cytogenetic location: 2q22.1.
Variant type: single nucleotide variant.
Coding change: c.973A>G on transcript NM_003467.3 (MANE Select); coding-DNA position 973, A replaced by G.
Protein change: p.Ser325Gly; replaces serine 325 with glycine.
Molecular consequence: missense variant.
Genome position (GRCh38, 1-based): chr2:136,114,955, T>C on the plus strand (A>G on the coding strand, the complement: CXCR4 is on the minus strand). VCF-style: chr2-136114955-T-C. GRCh37 (hg19) VCF-style: chr2-136872525-T-C.
Other names: c.985A>G, p.Ser329Gly (NM_001008540.2); c.1186A>G, p.Ser396Gly (NM_001348056.2); c.1072A>G, p.Ser358Gly (NM_001348059.2); c.928A>G, p.Ser310Gly (NM_001348060.2); short protein forms S310G, S358G, S325G, S329G, S396G.
Identifiers: ClinVar variation 958354 (VCV000958354.11), dbSNP rs1684840650, ClinGen allele CA348657554.
Genomic context (GRCh38, chr2:136,114,955, plus strand): 5'-CAGACTCAGTGGAAACAGATGAATGTCCACCTCGCTTTCCTTTGGAGAGGATCTTGAGGC[T>C]GGACCCTCTGCTCACAGAGGTGAGTGCGTGCTGGGCAGAGGTTTTAAATTTGGCTCCAAG-3'
Protein context (NP_003458.1, residues 315-335): HALTSVSRGS[Ser325Gly]LKILSKGKRG

ClinVar aggregate classification (germline): Uncertain significance. Review status: criteria provided, multiple submitters, no conflicts (2 of 4 stars). 2 submissions from 2 submitters: Uncertain significance (2). Last evaluated 2024-01-02.

Conditions:
Warts, hypogammaglobulinemia, infections, and myelokathexis. Also called: WHIM syndrome. Identifiers: MedGen C0472817, MONDO:0023880.
Inborn genetic diseases. Identifiers: MedGen C0950123, MeSH D030342.

Allele frequency attached by ClinVar (database versions not stated): gnomAD exomes below 0.00001.

Submissions (2):

Ambry Genetics
Classification: Uncertain significance for Inborn genetic diseases. Last evaluated: 2024-01-02. Review status: criteria provided, single submitter. Criteria: Ambry Variant Classification Scheme 2023. Collection method: clinical testing. Allele origin: germline.

Labcorp Genetics (formerly Invitae), Labcorp
Classification: Uncertain significance for Warts, hypogammaglobulinemia, infections, and myelokathexis. Last evaluated: 2019-08-22. Review status: criteria provided, single submitter. Criteria: Invitae Variant Classification Sherloc (09022015). Collection method: clinical testing. Allele origin: germline.
Comment: In summary, the available evidence is currently insufficient to determine the role of this variant in disease. Therefore, it has been classified as a Variant of Uncertain Significance. Algorithms developed to predict the effect of missense changes on protein structure and function (SIFT, PolyPhen-2, Align-GVGD) all suggest that this variant is likely to be disruptive, but these predictions have not been confirmed by published functional studies and their clinical significance is uncertain. This sequence change replaces serine with glycine at codon 325 of the CXCR4 protein (p.Ser325Gly). The serine residue is highly conserved and there is a small physicochemical difference between serine and glycine. This variant is not present in population databases (ExAC no frequency). This variant has not been reported in the literature in individuals with CXCR4-related conditions.